The following is an entry in ClinVar:

ClinVar aggregate classification (germline): Benign. Review status: criteria provided, multiple submitters, no conflicts (2 of 4 stars). 2 submissions from 2 submitters: Benign (2). Last evaluated 2018-01-12.

Conditions:
Ellis-van Creveld syndrome (EVC). Also called: EVC-Related Ellis-van Creveld Syndrome; EVC2-Related Ellis-van Creveld Syndrome; MESOECTODERMAL DYSPLASIA; Chondroectodermal dysplasia. Identifiers: Orphanet 289, MedGen C0013903, MONDO:0009162, OMIM 225500.

Allele frequency attached by ClinVar (database versions not stated): gnomAD exomes 0.08604; gnomAD 0.13032 and 0.13631; 1000 Genomes Project 0.19409.
gnomAD v4.1: 20,913 of 158,686 alleles (13%); highest among the groups gnomAD compares: East Asian, 25%; 995 homozygotes.

Submissions (2):

Illumina Laboratory Services, Illumina
Classification: Benign for Ellis-van Creveld syndrome. Last evaluated: 2018-01-12. Review status: criteria provided, single submitter. Criteria: ICSL Variant Classification Criteria 13 December 2019. Collection method: clinical testing. Allele origin: germline.
Comment: This variant was observed in the ICSL laboratory as part of a predisposition screen in an ostensibly healthy population. It had not been previously curated by ICSL or reported in the Human Gene Mutation Database (HGMD: prior to June 1st, 2018), and was therefore a candidate for classification through an automated scoring system. Utilizing variant allele frequency, disease prevalence and penetrance estimates, and inheritance mode, an automated score was calculated to assess if this variant is too frequent to cause the disease. Based on the score and internal cut-off values, a variant classified as benign is not then subjected to further curation. The score for this variant resulted in a classification of benign for this disease.

Breakthrough Genomics
Classification: Benign. Review status: criteria provided, single submitter. Criteria: ACMG Guidelines, 2015. Collection method: not provided. Allele origin: germline. Inheritance: Autosomal recessive inheritance. Affected: yes.

NM_153717.3(EVC):c.*1218C>T

Gene: EVC (EvC ciliary complex subunit 1; plus strand). Cytogenetic location: 4p16.2.
Variant type: single nucleotide variant.
Coding change: c.*1218C>T on transcript NM_153717.3 (MANE Select); 1218 bases downstream of the stop codon, C replaced by T.
Molecular consequence: 3 prime UTR variant.
Genome position (GRCh38, 1-based): chr4:5,812,255, C>T. VCF-style: chr4-5812255-C-T. GRCh37 (hg19) VCF-style: chr4-5813982-C-T.
Other names: c.*1218C>T (NM_001306090.2).
Identifiers: ClinVar variation 349242 (VCV000349242.6), dbSNP rs12501119, ClinGen allele CA10621407.